The following is an entry in ClinVar:

NM_001009944.3(PKD1):c.7457C>T (p.Ala2486Val)

Gene: PKD1 (polycystin 1, transient receptor potential channel interacting; minus strand). Cytogenetic location: 16p13.3.
Variant type: single nucleotide variant.
Coding change: c.7457C>T on transcript NM_001009944.3 (MANE Select); coding-DNA position 7457, C replaced by T.
Protein change: p.Ala2486Val; replaces alanine 2486 with valine.
Molecular consequence: missense variant.
Genome position (GRCh38, 1-based): chr16:2,106,430, G>A on the plus strand (C>T on the coding strand, the complement: PKD1 is on the minus strand). VCF-style: chr16-2106430-G-A. GRCh37 (hg19) VCF-style: chr16-2156431-G-A.
Other names: c.7457C>T, p.Ala2486Val (NM_000296.4); c.7457C>T (NM_000296.3); short protein forms A2486V.
Identifiers: ClinVar variation 2630619 (VCV002630619.3), dbSNP rs547751652, ClinGen allele CA7831126.

ClinVar aggregate classification (germline): Uncertain significance. Review status: criteria provided, multiple submitters, no conflicts (2 of 4 stars). 3 submissions from 3 submitters: Uncertain significance (3). Last evaluated 2025-08-03.

Conditions:
Inborn genetic diseases. Identifiers: MedGen C0950123, MeSH D030342.
PKD1-related disorder. Also called: PKD1-related condition.

Allele frequency attached by ClinVar (database versions not stated): 1000 Genomes Project 0.00020; 1000 Genomes Project 30x 0.00016.
gnomAD v4.1: 18 of 1,588,764 alleles (0.0011%); highest among the groups gnomAD compares: East Asian, 0.032%; no homozygotes.

Submissions (3):

GeneDx
Classification: Uncertain significance. Last evaluated: 2025-08-03. Review status: criteria provided, single submitter. Criteria: GeneDx Variant Classification Process June 2021. Collection method: clinical testing. Allele origin: germline. Affected: yes.
Comment: In silico analysis suggests that this missense variant does not alter protein structure/function; Has not been previously published as pathogenic or benign to our knowledge

Ambry Genetics
Classification: Uncertain significance for Inborn genetic diseases. Last evaluated: 2025-07-03. Review status: criteria provided, single submitter. Criteria: Ambry Variant Classification Scheme 2023. Collection method: clinical testing. Allele origin: germline.

PreventionGenetics, part of Exact Sciences
Classification: Uncertain significance for PKD1-related condition. Last evaluated: 2023-04-21. Review status: criteria provided, single submitter. Criteria: ACMG Guidelines, 2015. Collection method: clinical testing. Allele origin: germline.
Comment: The PKD1 c.7457C>T variant is predicted to result in the amino acid substitution p.Ala2486Val. To our knowledge, this variant has not been reported in the literature. This variant is reported in 0.069% of alleles in individuals of East Asian descent in gnomAD. At this time, the clinical significance of this variant is uncertain due to the absence of conclusive functional and genetic evidence.